The following is an entry in ClinVar:

ClinVar aggregate classification (germline): Likely pathogenic (1 of 4 stars; one submission).

Submission:

GeneDx
Classification: Likely pathogenic. Last evaluated: 2026-04-03. Review status: criteria provided, single submitter. Criteria: GeneDx Variant Classification Process June 2021. Collection method: clinical testing. Allele origin: germline.
Comment: Frameshift variant predicted to result in protein truncation or nonsense mediated decay in a gene for which loss of function is a known mechanism of disease; Not observed at significant frequency in large population cohorts (gnomAD); Has not been previously published as pathogenic or benign to our knowledge

NM_002968.3(SALL1):c.502_505del (p.Gly168fs)

Gene: SALL1 (spalt like transcription factor 1; minus strand). Cytogenetic location: 16q12.1.
Variant type: Deletion.
Coding change: c.502_505del on transcript NM_002968.3 (MANE Select); coding-DNA positions 502 to 505, 4 bases deleted (GGTA; older notation c.502_505delGGTA).
Protein change: p.Gly168fs; shifts the reading frame from glycine 168.
Molecular consequence: frameshift variant.
Genome position (GRCh38, 1-based): chr16:51,141,717-51,141,720, TACC deleted on the plus strand (GGTA on the coding strand, the reverse complement: SALL1 is on the minus strand); deleting any 4 consecutive bases within chr16:51,141,717-51,141,721 gives the same sequence; the c. name uses the placement nearest the transcript's 3' end. VCF-style (leftmost placement, unchanged base first): chr16-51141716-GTACC-G. GRCh37 (hg19) VCF-style: chr16-51175627-GTACC-G.
Other names: c.211_214del, p.Gly71fs (NM_001127892.2); c.501_504delAGGT, p.Gly168Profs (NM_002968.2); short protein forms G168fs, G71fs.
Identifiers: ClinVar variation 5017739 (VCV005017739.1).
Genomic context (GRCh38, chr16:51,141,716, plus strand): 5'-GAGAAGTTGCCCAGTGTTGTCAGGTCCCCGAGTTGAGGTAGAGAGGTTGTGATCGCTGAG[GTACC>G]TGTGGAGGAGCTGCCGCCGCCGCCGCTGCTGCTGCTGCTGCTGCTGCTGCTGCTTGGGGC-3'